The following is an entry in ClinVar:

NM_001130969.3(NSMF):c.638C>T (p.Pro213Leu)

Gene: NSMF (NMDA receptor synaptonuclear signaling and neuronal migration factor; minus strand). Cytogenetic location: 9q34.3.
Variant type: single nucleotide variant.
Coding change: c.638C>T on transcript NM_001130969.3 (MANE Select); coding-DNA position 638, C replaced by T.
Protein change: p.Pro213Leu; replaces proline 213 with leucine.
Molecular consequence: missense variant.
Genome position (GRCh38, 1-based): chr9:137,456,477, G>A on the plus strand (C>T on the coding strand, the complement: NSMF is on the minus strand). VCF-style: chr9-137456477-G-A. GRCh37 (hg19) VCF-style: chr9-140350929-G-A.
Other names: c.638C>T, p.Pro213Leu (NM_001130970.2, NM_001130971.2, NM_001178064.2 and 2 more transcripts); short protein forms P213L.
Identifiers: ClinVar variation 2173581 (VCV002173581.4), dbSNP rs147695659, ClinGen allele CA5370491.

ClinVar aggregate classification (germline): Uncertain significance (1 of 4 stars; one submission).

Allele frequency attached by ClinVar (database versions not stated): ExAC 0.00006; gnomAD 0.00006; ESP Exome Variant Server 0.00008; TOPMed 0.00008.
gnomAD v4.1: 150 of 1,611,800 alleles (0.0093%); highest among the groups gnomAD compares: Non-Finnish European, 0.012%; no homozygotes.

Submission:

Labcorp Genetics (formerly Invitae), Labcorp
Classification: Uncertain significance. Last evaluated: 2024-08-05. Review status: criteria provided, single submitter. Criteria: Invitae Variant Classification Sherloc (09022015). Collection method: clinical testing. Allele origin: germline.
Comment: This sequence change replaces proline, which is neutral and non-polar, with leucine, which is neutral and non-polar, at codon 213 of the NSMF protein (p.Pro213Leu). This variant is present in population databases (rs147695659, gnomAD 0.009%). This variant has not been reported in the literature in individuals affected with NSMF-related conditions. ClinVar contains an entry for this variant (Variation ID: 2173581). Advanced modeling of protein sequence and biophysical properties (such as structural, functional, and spatial information, amino acid conservation, physicochemical variation, residue mobility, and thermodynamic stability) performed at Invitae indicates that this missense variant is not expected to disrupt NSMF protein function with a negative predictive value of 80%. In summary, the available evidence is currently insufficient to determine the role of this variant in disease. Therefore, it has been classified as a Variant of Uncertain Significance.